The following is an entry in ClinVar:

NM_001184880.2(PCDH19):c.2161A>G (p.Ile721Val)

Gene: PCDH19 (protocadherin 19; minus strand). Cytogenetic location: Xq22.1.
Variant type: single nucleotide variant.
Coding change: c.2161A>G on transcript NM_001184880.2 (MANE Select); coding-DNA position 2161, A replaced by G.
Protein change: p.Ile721Val; replaces isoleucine 721 with valine.
Molecular consequence: missense variant. On other transcripts: intron variant (2).
Genome position (GRCh38, 1-based): chrX:100,403,651, T>C on the plus strand (A>G on the coding strand, the complement: PCDH19 is on the minus strand). VCF-style: chrX-100403651-T-C. GRCh37 (hg19) VCF-style: chrX-99658649-T-C.
Other names: c.2148-800A>G (NM_020766.3, NM_001105243.2); short protein forms I721V.
Identifiers: ClinVar variation 4801126 (VCV004801126.1).
Genomic context (GRCh38, chrX:100,403,651, plus strand): 5'-AGATGCAATGCAGACACTTGCTGTTTTGTCCTTTTATAAAACAGCCGAGGAGACAAGTGA[T>C]GGTTAAACAATTACTGCAAAGGAATTTAAAGGTTAGTGCATTCAGCATCCTTCTCCATTC-3'
Protein context (NP_001171809.1, residues 711-731): RTYNCSNCLT[Ile721Val]TCLLGCFIKG

ClinVar aggregate classification (germline): Uncertain significance (1 of 4 stars; one submission).

Conditions:
Developmental and epileptic encephalopathy, 9 (DEE9). Also called: Early infantile epileptic encephalopathy 9; EPILEPSY, FEMALE-RESTRICTED, WITH MENTAL RETARDATION; JUBERG-HELLMAN SYNDROME; PCDH19-Related X-Linked Female-Limited Epilepsy with Mental Retardation. Identifiers: Orphanet 101039, Orphanet 2076, MedGen C1848137, MONDO:0010246, OMIM 300088. Disease mechanism: loss of function.

gnomAD v4.1: 1 of 1,202,243 alleles (0.000083%); highest among the groups gnomAD compares: Non-Finnish European, 0.00011%; no homozygotes.

Submission:

Labcorp Genetics (formerly Invitae), Labcorp
Classification: Uncertain significance for Developmental and epileptic encephalopathy, 9. Last evaluated: 2025-08-15. Review status: criteria provided, single submitter. Criteria: Invitae Variant Classification Sherloc (09022015). Collection method: clinical testing. Allele origin: germline.
Comment: This sequence change replaces isoleucine, which is neutral and non-polar, with valine, which is neutral and non-polar, at codon 721 of the PCDH19 protein (p.Ile721Val). This variant is not present in population databases (gnomAD no frequency). This variant has not been reported in the literature in individuals affected with PCDH19-related conditions. Invitae Evidence Modeling of protein sequence and biophysical properties (such as structural, functional, and spatial information, amino acid conservation, physicochemical variation, residue mobility, and thermodynamic stability) indicates that this missense variant is not expected to disrupt PCDH19 protein function with a negative predictive value of 95%. In summary, the available evidence is currently insufficient to determine the role of this variant in disease. Therefore, it has been classified as a Variant of Uncertain Significance.